The following is an entry in ClinVar:

NM_003038.5(SLC1A4):c.1000G>A (p.Ala334Thr)

Gene: SLC1A4 (solute carrier family 1 member 4; plus strand). Cytogenetic location: 2p14.
Variant type: single nucleotide variant.
Coding change: c.1000G>A on transcript NM_003038.5 (MANE Select); coding-DNA position 1000, G replaced by A.
Protein change: p.Ala334Thr; replaces alanine 334 with threonine.
Molecular consequence: missense variant. On other transcripts: intron variant (1).
Genome position (GRCh38, 1-based): chr2:65,016,639, G>A. VCF-style: chr2-65016639-G-A. GRCh37 (hg19) VCF-style: chr2-65243773-G-A.
Other names: c.340G>A, p.Ala114Thr (NM_001348406.2, NM_001348407.2); c.141-1432G>A (NM_001193493.2); short protein forms A114T, A334T.
Identifiers: ClinVar variation 1416733 (VCV001416733.5), dbSNP rs144779887, ClinGen allele CA1686025.

ClinVar aggregate classification (germline): Uncertain significance (1 of 4 stars; one submission).

Allele frequency attached by ClinVar (database versions not stated): ExAC 0.00004; gnomAD exomes 0.00004 and 0.00006; gnomAD 0.00009 and 0.00010; TOPMed 0.00009; ESP Exome Variant Server 0.00031.
gnomAD v4.1: 100 of 1,614,038 alleles (0.0062%); highest among the groups gnomAD compares: East Asian, 0.027%; 1 homozygote.

Submission:

Labcorp Genetics (formerly Invitae), Labcorp
Classification: Uncertain significance. Last evaluated: 2025-02-24. Review status: criteria provided, single submitter. Criteria: Invitae Variant Classification Sherloc (09022015). Collection method: clinical testing. Allele origin: germline.
Comment: This sequence change replaces alanine, which is neutral and non-polar, with threonine, which is neutral and polar, at codon 334 of the SLC1A4 protein (p.Ala334Thr). This variant is present in population databases (rs144779887, gnomAD 0.009%). This variant has not been reported in the literature in individuals affected with SLC1A4-related conditions. ClinVar contains an entry for this variant (Variation ID: 1416733). Invitae Evidence Modeling of protein sequence and biophysical properties (such as structural, functional, and spatial information, amino acid conservation, physicochemical variation, residue mobility, and thermodynamic stability) indicates that this missense variant is not expected to disrupt SLC1A4 protein function with a negative predictive value of 80%. In summary, the available evidence is currently insufficient to determine the role of this variant in disease. Therefore, it has been classified as a Variant of Uncertain Significance.